The following is an entry in ClinVar:

NM_000038.6(APC):c.6742A>T (p.Lys2248Ter)

Gene: APC (APC regulator of Wnt signaling pathway; plus strand). Cytogenetic location: 5q22.2.
Variant type: single nucleotide variant.
Coding change: c.6742A>T on transcript NM_000038.6 (MANE Select); coding-DNA position 6742, A replaced by T.
Protein change: p.Lys2248Ter; replaces lysine 2248 with a stop codon.
Molecular consequence: nonsense.
Genome position (GRCh38, 1-based): chr5:112,842,336, A>T. VCF-style: chr5-112842336-A-T. GRCh37 (hg19) VCF-style: chr5-112178033-A-T.
Other names: c.6742A>T, p.Lys2248Ter (NM_001127510.3, NM_001354895.2); c.6688A>T, p.Lys2230Ter (NM_001127511.3); c.6796A>T, p.Lys2266Ter (NM_001354896.2); c.6772A>T, p.Lys2258Ter (NM_001354897.2); c.6667A>T, p.Lys2223Ter (NM_001354898.2); c.6658A>T, p.Lys2220Ter (NM_001354899.2); c.6619A>T, p.Lys2207Ter (NM_001354900.2); c.6565A>T, p.Lys2189Ter (NM_001354901.2); and 5 more; short protein forms K1965*, K2122*, K2147*, K2223*, K2230*, K2088*, K2248*, K2258*.
Identifiers: ClinVar variation 826596 (VCV000826596.5), dbSNP rs1580674179, ClinGen allele CA16036065.

ClinVar aggregate classification (germline): Pathogenic. Review status: criteria provided, multiple submitters, no conflicts (2 of 4 stars). 2 submissions from 2 submitters: Pathogenic (2). Last evaluated 2023-05-16.

Conditions:
Hereditary cancer-predisposing syndrome. Also called: Neoplastic Syndromes, Hereditary; Tumor predisposition; Hereditary neoplastic syndrome; Hereditary Cancer Syndrome. Identifiers: Orphanet 140162, MedGen C0027672, MeSH D009386, MONDO:0015356.
Familial adenomatous polyposis 1 (FAP1). Also called: POLYPOSIS, ADENOMATOUS INTESTINAL; FAMILIAL ADENOMATOUS POLYPOSIS 1, ATTENUATED. Identifiers: MedGen C2713442, MONDO:0021056, OMIM 175100. Disease mechanism: loss of function.

Submissions (2):

Myriad Genetics, Inc.
Classification: Pathogenic for Familial adenomatous polyposis 1. Last evaluated: 2023-05-16. Review status: criteria provided, single submitter. Criteria: Myriad Autosomal Dominant, Autosomal Recessive and X-Linked Classification Criteria (2023). Collection method: clinical testing. Allele origin: unknown.
Comment: This variant is considered pathogenic. This variant creates a termination codon and is predicted to result in premature protein truncation.

Ambry Genetics
Classification: Pathogenic for Hereditary cancer-predisposing syndrome. Last evaluated: 2018-11-15. Review status: criteria provided, single submitter. Criteria: Ambry Variant Classification Scheme 2023. Collection method: clinical testing. Allele origin: germline.
Comment: The p.K2248* pathogenic mutation (also known as c.6742A>T), located in coding exon 15 of the APC gene, results from an A to T substitution at nucleotide position 6742. This changes the amino acid from a lysine to a stop codon within coding exon 15. This alteration is expected to result in loss of function by premature protein truncation or nonsense-mediated mRNA decay. As such, this alteration is interpreted as a disease-causing mutation.